The following is an entry in ClinVar:

ClinVar aggregate classification (germline): Uncertain significance (1 of 4 stars; one submission).

Conditions:
Brugada syndrome. Also called: Sudden unexpected nocturnal death syndrome; Sudden unexplained nocturnal death syndrome; Sudden Unexplained Death Syndrome; Sudden Unexplained Nocturnal Death Syndrome (SUNDS). Identifiers: Orphanet 130, MedGen C1142166, MONDO:0015263.

Submission:

Labcorp Genetics (formerly Invitae), Labcorp
Classification: Uncertain significance for Brugada syndrome. Last evaluated: 2023-07-12. Review status: criteria provided, single submitter. Criteria: Invitae Variant Classification Sherloc (09022015). Collection method: clinical testing. Allele origin: germline.
Comment: This sequence change replaces isoleucine, which is neutral and non-polar, with threonine, which is neutral and polar, at codon 68 of the KCNE5 protein (p.Ile68Thr). In summary, the available evidence is currently insufficient to determine the role of this variant in disease. Therefore, it has been classified as a Variant of Uncertain Significance. An algorithm developed to predict the effect of missense changes on protein structure and function (PolyPhen-2) suggests that this variant is likely to be disruptive. This variant has not been reported in the literature in individuals affected with KCNE5-related conditions. This variant is not present in population databases (gnomAD no frequency).

NM_012282.4(KCNE5):c.203T>C (p.Ile68Thr)

Gene: KCNE5 (potassium voltage-gated channel subfamily E regulatory subunit 5; minus strand). Cytogenetic location: Xq23.
Variant type: single nucleotide variant.
Coding change: c.203T>C on transcript NM_012282.4 (MANE Select); coding-DNA position 203, T replaced by C.
Protein change: p.Ile68Thr; replaces isoleucine 68 with threonine.
Molecular consequence: missense variant.
Genome position (GRCh38, 1-based): chrX:109,624,818, A>G on the plus strand (T>C on the coding strand, the complement: KCNE5 is on the minus strand). VCF-style: chrX-109624818-A-G. GRCh37 (hg19) VCF-style: chrX-108868047-A-G.
Other names: short protein forms I68T.
Identifiers: ClinVar variation 2786178 (VCV002786178.3), dbSNP rs2520685814, ClinGen allele CA414213680.